The following is an entry in ClinVar:

ClinVar aggregate classification (germline): Likely pathogenic (1 of 4 stars; one submission).

Conditions:
Intellectual developmental disorder 61. Also called: MENTAL RETARDATION, AUTOSOMAL DOMINANT 61; INTELLECTUAL DEVELOPMENTAL DISORDER, AUTOSOMAL DOMINANT 61. Identifiers: MedGen C5231400, MONDO:0032485, OMIM 618009.

Submission:

Institute of Human Genetics, FAU Erlangen, Friedrich-Alexander-Universität Erlangen-Nürnberg
Classification: Likely pathogenic for Intellectual developmental disorder 61. Last evaluated: 2024-09-25. Review status: criteria provided, single submitter. Criteria: Hauer et al. (Genet Med. 2018). Collection method: clinical testing. Allele origin: germline. Inheritance: Autosomal dominant inheritance. Affected: yes. Observed: 1 variant allele.
Comment: This variant has been identified by standard clinical testing. Selected ACMG criteria: Likely pathogenic (II):PP3;PM2;PS2

NM_005121.3(MED13):c.3644G>T (p.Gly1215Val)

Gene: MED13 (mediator complex subunit 13; minus strand). Cytogenetic location: 17q23.2.
Variant type: single nucleotide variant.
Coding change: c.3644G>T on transcript NM_005121.3 (MANE Select); coding-DNA position 3644, G replaced by T.
Protein change: p.Gly1215Val; replaces glycine 1215 with valine.
Molecular consequence: missense variant.
Genome position (GRCh38, 1-based): chr17:61,982,359, C>A on the plus strand (G>T on the coding strand, the complement: MED13 is on the minus strand). VCF-style: chr17-61982359-C-A. GRCh37 (hg19) VCF-style: chr17-60059720-C-A.
Other names: short protein forms G1215V.
Identifiers: ClinVar variation 3341076 (VCV003341076.1).
Genomic context (GRCh38, chr17:61,982,359, plus strand): 5'-GCAAGGTAGCAGTCATTGCAACAGTCACGCTCTTCAACACGTACCCAATTGCTAATTACA[C>A]CACTTTTAGGAAAAGGATCTTGGTCTGCTGCTCCAAAGGGTGAAAATAAATTAGTGCACT-3'
Protein context (NP_005112.2, residues 1205-1225): AADQDPFPKS[Gly1215Val]VISNWVRVEE